The following is an entry in ClinVar:

NM_000321.3(RB1):c.1421+29_1421+30delinsA

Gene: RB1 (RB transcriptional corepressor 1; plus strand). Cytogenetic location: 13q14.2.
Variant type: Indel.
Coding change: c.1421+29_1421+30delinsA on transcript NM_000321.3 (MANE Select); bases 29 to 30 of the intron after coding-DNA position 1421, TT replaced by A.
Molecular consequence: intron variant.
Genome position (GRCh38, 1-based): chr13:48,380,113-48,380,114, TT replaced by A. VCF-style: chr13-48380113-TT-A. GRCh37 (hg19) VCF-style: chr13-48954249-TT-A.
Other names: c.1421+29_1421+30delinsA (NM_001407165.1, NM_001407166.1).
Identifiers: ClinVar variation 4876048 (VCV004876048.1).

ClinVar aggregate classification (germline): Benign (1 of 4 stars; one submission).

Conditions:
Retinoblastoma (RB1). Also called: RETINOBLASTOMA, SOMATIC. Identifiers: Orphanet 790, MedGen C0035335, MeSH D012175, MONDO:0008380, OMIM 180200, HP:0009919. Disease mechanism: loss of function. Inheritance: Both sporadic and heritable forms are tested..

Submission:

Myriad Genetics, Inc.
Classification: Benign for Retinoblastoma. Last evaluated: 2026-06-24. Review status: criteria provided, single submitter. Criteria: Myriad Autosomal Dominant, Autosomal Recessive and X-Linked Classification Criteria (2023). Collection method: clinical testing. Allele origin: unknown.
Comment: This variant is considered benign. This variant is intronic and is not expected to impact mRNA splicing.